The following is an entry in ClinVar:

ClinVar aggregate classification (germline): Likely benign (1 of 4 stars; one submission).

Allele frequency attached by ClinVar (database versions not stated): TOPMed 0.00136; 1000 Genomes Project 0.00080; ExAC 0.00052; 1000 Genomes Project 30x 0.00078; gnomAD 0.00104; ESP Exome Variant Server 0.00132.
gnomAD v4.1: 318 of 1,600,854 alleles (0.02%); highest among the groups gnomAD compares: African/African-American, 0.36%; 2 homozygotes.

Submission:

CeGaT Center for Human Genetics Tuebingen
Classification: Likely benign. Last evaluated: 2022-10-01. Review status: criteria provided, single submitter. Criteria: CeGaT Center For Human Genetics Tuebingen Variant Classification Criteria Version 2. Collection method: clinical testing. Allele origin: germline. Affected: yes. Observed: 1 variant allele.
Comment: LRRC75B: BP4, BP7

NM_207644.3(LRRC75B):c.921C>T (p.Pro307=)

Genes: GGT1 (gamma-glutamyltransferase 1; plus strand), LRRC75B (leucine rich repeat containing 75B; minus strand). Cytogenetic location: 22q11.23.
Variant type: single nucleotide variant.
Coding change: c.921C>T on transcript NM_207644.3 (MANE Select); coding-DNA position 921, C replaced by T.
Protein change: p.Pro307=; no amino-acid change (proline 307 retained).
Molecular consequence: synonymous variant. On other transcripts: intron variant (1).
Genome position (GRCh38, 1-based): chr22:24,585,913, G>A on the plus strand (C>T on the coding strand, the complement: LRRC75B is on the minus strand). VCF-style: chr22-24585913-G-A. GRCh37 (hg19) VCF-style: chr22-24981881-G-A.
Other names: c.-429+2105G>A (NM_013430.3).
Identifiers: ClinVar variation 2653000 (VCV002653000.22), dbSNP rs200272860, ClinGen allele CA10153915.